The following is an entry in ClinVar:

ClinVar aggregate classification (germline): Uncertain significance (1 of 4 stars; one submission).

Conditions:
Jeune thoracic dystrophy. Also called: Short-rib thoracic dysplasia; Jeune syndrome; Infantile thoracic dystrophy; Thoracic pelvic phalangeal dystrophy; Jeune's syndrome; Chondroectodermal dysplasia-like syndrome. Identifiers: Orphanet 474, MedGen C0265275, MONDO:0018770.

Submission:

Labcorp Genetics (formerly Invitae), Labcorp
Classification: Uncertain significance for Jeune thoracic dystrophy. Last evaluated: 2022-06-14. Review status: criteria provided, single submitter. Criteria: Invitae Variant Classification Sherloc (09022015). Collection method: clinical testing. Allele origin: germline.
Comment: This variant has not been reported in the literature in individuals affected with DYNC2H1-related conditions. This variant is not present in population databases (gnomAD no frequency). This sequence change replaces isoleucine, which is neutral and non-polar, with asparagine, which is neutral and polar, at codon 466 of the DYNC2H1 protein (p.Ile466Asn). In summary, the available evidence is currently insufficient to determine the role of this variant in disease. Therefore, it has been classified as a Variant of Uncertain Significance. Advanced modeling of protein sequence and biophysical properties (such as structural, functional, and spatial information, amino acid conservation, physicochemical variation, residue mobility, and thermodynamic stability) performed at Invitae indicates that this missense variant is not expected to disrupt DYNC2H1 protein function.

NM_001377.3(DYNC2H1):c.1397T>A (p.Ile466Asn)

Gene: DYNC2H1 (dynein cytoplasmic 2 heavy chain 1; plus strand). Cytogenetic location: 11q22.3.
Variant type: single nucleotide variant.
Coding change: c.1397T>A on transcript NM_001377.3 (MANE Select); coding-DNA position 1397, T replaced by A.
Protein change: p.Ile466Asn; replaces isoleucine 466 with asparagine.
Molecular consequence: missense variant.
Genome position (GRCh38, 1-based): chr11:103,121,408, T>A. VCF-style: chr11-103121408-T-A. GRCh37 (hg19) VCF-style: chr11-102992137-T-A.
Other names: c.1397T>A, p.Ile466Asn (NM_001080463.2); short protein forms I466N.
Identifiers: ClinVar variation 2006144 (VCV002006144.4), dbSNP rs2496827169, ClinGen allele CA382251885.